The following is an entry in ClinVar:

ClinVar aggregate classification (germline): Uncertain significance (1 of 4 stars; one submission).

Submission:

Labcorp Genetics (formerly Invitae), Labcorp
Classification: Uncertain significance. Last evaluated: 2022-02-08. Review status: criteria provided, single submitter. Criteria: Invitae Variant Classification Sherloc (09022015). Collection method: clinical testing. Allele origin: germline.
Comment: This sequence change replaces cysteine, which is neutral and slightly polar, with tryptophan, which is neutral and slightly polar, at codon 406 of the VAC14 protein (p.Cys406Trp). In summary, the available evidence is currently insufficient to determine the role of this variant in disease. Therefore, it has been classified as a Variant of Uncertain Significance. Algorithms developed to predict the effect of missense changes on protein structure and function are either unavailable or do not agree on the potential impact of this missense change (SIFT: "Deleterious"; PolyPhen-2: "Benign"; Align-GVGD: "Class C0"). This variant has not been reported in the literature in individuals affected with VAC14-related conditions. This variant is not present in population databases (gnomAD no frequency).

NM_018052.5(VAC14):c.1218C>G (p.Cys406Trp)

Genes: VAC14 (VAC14 component of PIKFYVE complex; minus strand), VAC14-AS1 (VAC14 antisense RNA 1; plus strand). Cytogenetic location: 16q22.1.
Variant type: single nucleotide variant.
Coding change: c.1218C>G on transcript NM_018052.5 (MANE Select); coding-DNA position 1218, C replaced by G.
Protein change: p.Cys406Trp; replaces cysteine 406 with tryptophan.
Molecular consequence: missense variant.
Genome position (GRCh38, 1-based): chr16:70,762,968, G>C on the plus strand (C>G on the coding strand, the complement: VAC14 is on the minus strand). VCF-style: chr16-70762968-G-C. GRCh37 (hg19) VCF-style: chr16-70796871-G-C.
Other names: c.516C>G, p.Cys172Trp (NM_001351157.2); short protein forms C172W, C406W.
Identifiers: ClinVar variation 2094616 (VCV002094616.4), dbSNP rs2507658746, ClinGen allele CA396601899.